The following is an entry in ClinVar:

ClinVar aggregate classification (germline): Pathogenic (1 of 4 stars; one submission).

Conditions:
Werner syndrome (WRN). Identifiers: Orphanet 902, MedGen C0043119, MONDO:0010196, OMIM 277700.

Submission:

Labcorp Genetics (formerly Invitae), Labcorp
Classification: Pathogenic for Werner syndrome. Last evaluated: 2025-10-06. Review status: criteria provided, single submitter. Criteria: Invitae Variant Classification Sherloc (09022015). Collection method: clinical testing. Allele origin: germline.
Comment: This sequence change creates a premature translational stop signal (p.Asn514Metfs*43) in the WRN gene. It is expected to result in an absent or disrupted protein product. Loss-of-function variants in WRN are known to be pathogenic (PMID: 16673358). This variant is not present in population databases (gnomAD no frequency). This variant has not been reported in the literature in individuals affected with WRN-related conditions. ClinVar contains an entry for this variant (Variation ID: 1952963). For these reasons, this variant has been classified as Pathogenic.

Literature cited by the submitters: PubMed 16673358.

NM_000553.6(WRN):c.1541del (p.Asn514fs)

Gene: WRN (WRN RecQ like helicase; plus strand). Cytogenetic location: 8p12.
Variant type: Deletion.
Coding change: c.1541del on transcript NM_000553.6 (MANE Select); coding-DNA position 1541, one base deleted (A; older notation c.1541delA).
Protein change: p.Asn514fs; shifts the reading frame from asparagine 514.
Molecular consequence: frameshift variant.
Genome position (GRCh38, 1-based): chr8:31,087,885, A deleted; the last of 4 consecutive A bases (chr8:31,087,882-31,087,885); deleting any one gives the same sequence. VCF-style (leftmost placement, unchanged base first): chr8-31087881-GA-G. GRCh37 (hg19) VCF-style: chr8-30945397-GA-G.
Other names: short protein forms N514fs.
Identifiers: ClinVar variation 1952963 (VCV001952963.5), dbSNP rs2535924522, ClinGen allele CA2580078132.